The following is an entry in ClinVar:

NM_006892.4(DNMT3B):c.2008C>T (p.Arg670Trp)

Gene: DNMT3B (DNA methyltransferase 3 beta; plus strand). Cytogenetic location: 20q11.21.
Variant type: single nucleotide variant.
Coding change: c.2008C>T on transcript NM_006892.4 (MANE Select); coding-DNA position 2008, C replaced by T.
Protein change: p.Arg670Trp; replaces arginine 670 with tryptophan.
Molecular consequence: missense variant.
Genome position (GRCh38, 1-based): chr20:32,801,289, C>T. VCF-style: chr20-32801289-C-T. GRCh37 (hg19) VCF-style: chr20-31389095-C-T.
Other names: c.1822C>T, p.Arg608Trp (NM_001207055.2); c.1720C>T, p.Arg574Trp (NM_001207056.2); c.1948C>T, p.Arg650Trp (NM_175848.2, NM_175849.2); c.1984C>T, p.Arg662Trp (NM_175850.3); short protein forms R574W, R608W, R650W, R662W, R670W.
Identifiers: ClinVar variation 1717689 (VCV001717689.5), dbSNP rs756558325, ClinGen allele CA9810798.

ClinVar aggregate classification (germline): Uncertain significance (1 of 4 stars; one submission).

Conditions:
Centromeric instability of chromosomes 1,9 and 16 and immunodeficiency (ICF1). Also called: CENTROMERIC INSTABILITY, IMMUNODEFICIENCY SYNDROME; Immunodeficiency-centromeric instability-facial anomalies; IMMUNE DEFICIENCY, VARIABLE, WITH CENTROMERIC INSTABILITY OF CHROMOSOMES 1, 9, AND 16; IMMUNODEFICIENCY SYNDROME, VARIABLE. Identifiers: Orphanet 2268, MedGen C0398788, MONDO:0000133.

Allele frequency attached by ClinVar (database versions not stated): ExAC 0.00001.
gnomAD v4.1: 2 of 1,614,088 alleles (0.00012%); highest among the groups gnomAD compares: Non-Finnish European, 0.00017%; no homozygotes.

Submission:

Labcorp Genetics (formerly Invitae), Labcorp
Classification: Uncertain significance for Centromeric instability of chromosomes 1,9 and 16 and immunodeficiency. Last evaluated: 2022-08-22. Review status: criteria provided, single submitter. Criteria: Invitae Variant Classification Sherloc (09022015). Collection method: clinical testing. Allele origin: germline.
Comment: In summary, the available evidence is currently insufficient to determine the role of this variant in disease. Therefore, it has been classified as a Variant of Uncertain Significance. Algorithms developed to predict the effect of missense changes on protein structure and function (SIFT, PolyPhen-2, Align-GVGD) all suggest that this variant is likely to be disruptive. This variant has not been reported in the literature in individuals affected with DNMT3B-related conditions. This variant is not present in population databases (gnomAD no frequency). This sequence change replaces arginine, which is basic and polar, with tryptophan, which is neutral and slightly polar, at codon 670 of the DNMT3B protein (p.Arg670Trp).